The following is an entry in ClinVar:

NM_000059.4(BRCA2):c.3224G>A (p.Ser1075Asn)

Gene: BRCA2 (BRCA2 DNA repair associated; plus strand). Cytogenetic location: 13q13.1.
Variant type: single nucleotide variant.
Coding change: c.3224G>A on transcript NM_000059.4 (MANE Select); coding-DNA position 3224, G replaced by A.
Protein change: p.Ser1075Asn; replaces serine 1075 with asparagine.
Molecular consequence: missense variant.
Genome position (GRCh38, 1-based): chr13:32,337,579, G>A. VCF-style: chr13-32337579-G-A. GRCh37 (hg19) VCF-style: chr13-32911716-G-A.
Other names: short protein forms S1075N.
Identifiers: ClinVar variation 1049417 (VCV001049417.3), dbSNP rs2137494493, ClinGen allele CA387775909.

ClinVar aggregate classification (germline): Likely benign. Review status: criteria provided, single submitter (1 of 4 stars). 2 submissions from 2 submitters: Likely benign (1). 1 of the submissions does not count toward it. Last evaluated 2023-03-23.

Conditions:
Breast-ovarian cancer, familial, susceptibility to, 2 (BROVCA2). Also called: BRCA2 Hereditary Breast and Ovarian Cancer. Identifiers: Orphanet 145, MedGen C2675520, MONDO:0012933, OMIM 612555. Disease mechanism: loss of function.
Hereditary cancer-predisposing syndrome. Also called: Hereditary Cancer Syndrome; Tumor predisposition; Hereditary neoplastic syndrome; Neoplastic Syndromes, Hereditary. Identifiers: Orphanet 140162, MedGen C0027672, MeSH D009386, MONDO:0015356.

Submissions (2):

University of Washington Department of Laboratory Medicine, University of Washington
Classification: Likely benign for Hereditary cancer-predisposing syndrome. Last evaluated: 2023-03-23. Review status: criteria provided, single submitter. Criteria: Dines et al. (Genet Med. 2020). Collection method: curation. Allele origin: germline.
Comment: Missense variant in a coldspot region where missense variants are very unlikely to be pathogenic (PMID:31911673).

BRCA2 exon 11 coldspot. Reclassification based on statistical prior probability.

Department of Pathology and Laboratory Medicine, Sinai Health System
Classification: Uncertain significance for Breast-ovarian cancer, familial, susceptibility to, 2. Review status: no assertion criteria provided. Collection method: clinical testing. Allele origin: unknown. Affected: yes. Study: The Canadian Open Genetics Repository (COGR). Not counted in ClinVar's aggregate classification.
Comment: The BRCA2 p.Ser1075Asn variant was not identified in the literature nor was it identified in the dbSNP, ClinVar, LOVD 3.0, or UMD-LSDB, databases. The variant was not identified in the following control databases: the Exome Aggregation Consortium (August 8th 2016), or the Genome Aggregation Database (Feb 27, 2017). The p.Ser1075 residue is not conserved in mammals and computational analyses (PolyPhen-2, SIFT, AlignGVGD, BLOSUM, MutationTaster) do not suggest a high likelihood of impact to the protein; however, this information is not predictive enough to rule out pathogenicity. The variant occurs outside of the splicing consensus sequence and in silico or computational prediction software programs (SpliceSiteFinder, MaxEntScan, NNSPLICE, GeneSplicer) do not predict a difference in splicing. In summary, based on the above information the clinical significance of this variant cannot be determined with certainty at this time. This variant is classified as a variant of uncertain significance.